The following is an entry in ClinVar:

NM_000278.5(PAX2):c.593G>A (p.Gly198Asp)

Gene: PAX2 (paired box 2; plus strand). Cytogenetic location: 10q24.31.
Variant type: single nucleotide variant.
Coding change: c.593G>A on transcript NM_000278.5 (MANE Select); coding-DNA position 593, G replaced by A.
Protein change: p.Gly198Asp; replaces glycine 198 with aspartic acid.
Molecular consequence: missense variant.
Genome position (GRCh38, 1-based): chr10:100,781,342, G>A. VCF-style: chr10-100781342-G-A. GRCh37 (hg19) VCF-style: chr10-102541099-G-A.
Other names: c.686G>A, p.Gly229Asp (NM_001304569.2); c.593G>A, p.Gly198Asp (NM_003987.5, NM_003988.5, NM_003989.5 and 1 more transcripts); short protein forms G198D, G229D.
Identifiers: ClinVar variation 4686346 (VCV004686346.1).
Genomic context (GRCh38, chr10:100,781,342, plus strand): 5'-CCAATGACCCAGTGGGATCCTACTCCATCAATGGGATCCTGGGGATTCCTCGCTCCAATG[G>A]TGAGAAGAGGAAACGTGATGAAGGTAGGGAGGAGGGAAGAGGTGTGGCTTCCCCTTCACA-3'
Protein context (NP_000269.3, residues 188-208): NGILGIPRSN[Gly198Asp]EKRKRDEDVS

ClinVar aggregate classification (germline): Uncertain significance (1 of 4 stars; one submission).

gnomAD v4.1: 3 of 1,613,970 alleles (0.00019%); highest among the groups gnomAD compares: Admixed American, 0.0017%; no homozygotes.

Submission:

GeneDx
Classification: Uncertain significance. Last evaluated: 2025-07-15. Review status: criteria provided, single submitter. Criteria: GeneDx Variant Classification Process June 2021. Collection method: clinical testing. Allele origin: germline. Affected: yes.
Comment: Not observed at significant frequency in large population cohorts (gnomAD); In silico analysis suggests that this missense variant does not alter protein structure/function; Has not been previously published as pathogenic or benign to our knowledge